The following is an entry in ClinVar:

NM_007078.3(LDB3):c.1074dup (p.Asp359fs)

Gene: LDB3 (LIM domain binding 3; plus strand). Cytogenetic location: 10q23.2.
Variant type: Duplication.
Coding change: c.1074dup on transcript NM_007078.3 (MANE Select); coding-DNA position 1074, one base duplicated (C; older notation c.1074dupC).
Protein change: p.Asp359fs; shifts the reading frame from aspartic acid 359.
Molecular consequence: frameshift variant. On other transcripts: intron variant (4).
Genome position (GRCh38, 1-based): chr10:86,706,708, C duplicated; the last of 2 consecutive C bases (chr10:86,706,707-86,706,708); duplicating either gives the same sequence. VCF-style (leftmost placement, unchanged base first): chr10-86706706-G-GC. GRCh37 (hg19) VCF-style: chr10-88466463-G-GC.
Other names: c.933dup, p.Asp312fs (NM_001368066.1); c.897-3197dup (NM_001368064.1, NM_001368065.1); c.1101-3197dup (NM_001171610.2); c.756-3197dup (NM_001080114.2); short protein forms D312fs, D359fs.
Identifiers: ClinVar variation 2703332 (VCV002703332.3), dbSNP rs2492762089, ClinGen allele CA2697558513.

ClinVar aggregate classification (germline): Pathogenic (1 of 4 stars; one submission).

Conditions:
Myofibrillar myopathy 4. Also called: Zaspopathy (type). Identifiers: Orphanet 98912, MedGen C4721886, MONDO:0012277, OMIM 609452.

Submission:

Labcorp Genetics (formerly Invitae), Labcorp
Classification: Pathogenic for Myofibrillar myopathy 4. Last evaluated: 2024-01-04. Review status: criteria provided, single submitter. Criteria: Invitae Variant Classification Sherloc (09022015). Collection method: clinical testing. Allele origin: germline.
Comment: The LDB3 gene has multiple clinically relevant transcripts. This variant occurs in alternate transcript NM_007078.3, and corresponds to NM_001080116.1:c.*7334_*7335insC in the primary transcript. This sequence change creates a premature translational stop signal (p.Asp359Argfs*28) in the LDB3 gene. It is expected to result in an absent or disrupted protein product. Loss-of-function variants in LDB3 are known to be pathogenic (PMID: 36253531). This variant is not present in population databases (gnomAD no frequency). This variant has not been reported in the literature in individuals affected with LDB3-related conditions. For these reasons, this variant has been classified as Pathogenic.

Literature cited by the submitters: PubMed 36253531.